The following is an entry in ClinVar:

ClinVar aggregate classification (germline): Uncertain significance. Review status: criteria provided, multiple submitters, no conflicts (2 of 4 stars). 2 submissions from 2 submitters: Uncertain significance (2). Last evaluated 2025-01-29.

Allele frequency attached by ClinVar (database versions not stated): TOPMed 0.00001; gnomAD 0.00002; gnomAD exomes 0.00002; ExAC 0.00003; ESP Exome Variant Server 0.00008.
gnomAD v4.1: 45 of 1,594,756 alleles (0.0028%); highest among the groups gnomAD compares: South Asian, 0.017%; no homozygotes.

Submissions (2):

Ambry Genetics
Classification: Uncertain significance. Last evaluated: 2025-01-29. Review status: criteria provided, single submitter. Criteria: Ambry Variant Classification Scheme 2023. Collection method: clinical testing. Allele origin: germline.

Labcorp Genetics (formerly Invitae), Labcorp
Classification: Uncertain significance. Last evaluated: 2024-11-27. Review status: criteria provided, single submitter. Criteria: Invitae Variant Classification Sherloc (09022015). Collection method: clinical testing. Allele origin: germline.
Comment: This sequence change replaces tyrosine, which is neutral and polar, with cysteine, which is neutral and slightly polar, at codon 619 of the IFT88 protein (p.Tyr619Cys). This variant is present in population databases (rs373094049, gnomAD 0.01%). This variant has not been reported in the literature in individuals affected with IFT88-related conditions. ClinVar contains an entry for this variant (Variation ID: 1498740). An algorithm developed to predict the effect of missense changes on protein structure and function (PolyPhen-2) suggests that this variant is likely to be tolerated. In summary, the available evidence is currently insufficient to determine the role of this variant in disease. Therefore, it has been classified as a Variant of Uncertain Significance.

NM_006531.5(IFT88):c.1829A>G (p.Tyr610Cys)

Gene: IFT88 (intraflagellar transport 88; plus strand). Cytogenetic location: 13q12.11.
Variant type: single nucleotide variant.
Coding change: c.1829A>G on transcript NM_006531.5 (MANE Select); coding-DNA position 1829, A replaced by G.
Protein change: p.Tyr610Cys; replaces tyrosine 610 with cysteine.
Molecular consequence: missense variant. On other transcripts: non-coding transcript variant (4).
Genome position (GRCh38, 1-based): chr13:20,643,601, A>G. VCF-style: chr13-20643601-A-G. GRCh37 (hg19) VCF-style: chr13-21217740-A-G.
Other names: c.1772A>G, p.Tyr591Cys (NM_001318491.2, NM_001353575.2); c.1856A>G, p.Tyr619Cys (NM_001318493.2, NM_001353565.2, NM_001353566.2 and 2 more transcripts); c.1829A>G, p.Tyr610Cys (NM_001353568.2, NM_001353572.2); c.1754A>G, p.Tyr585Cys (NM_001353569.2, NM_001353570.2, NM_001353576.2 and 1 more transcripts); c.1727A>G, p.Tyr576Cys (NM_001353571.2, NM_001353578.2); c.1685A>G, p.Tyr562Cys (NM_001353573.2); c.1670A>G, p.Tyr557Cys (NM_001353574.2); c.1196A>G, p.Tyr399Cys (NM_001353579.2); and 1 more; short protein forms Y591C, Y610C, Y562C, Y585C, Y619C, Y399C, Y557C, Y576C.
Identifiers: ClinVar variation 1498740 (VCV001498740.7), dbSNP rs373094049, ClinGen allele CA6905540.